The following is an entry in ClinVar:

ClinVar aggregate classification (germline): Uncertain significance (1 of 4 stars; one submission).

Conditions:
Familial temporal lobe epilepsy 7. Identifiers: Orphanet 101046, MedGen C4225327, MONDO:0014639, OMIM 616436.
Norman-Roberts syndrome (LIS2). Also called: Lissencephaly 2 (Norman-Roberts type). Identifiers: Orphanet 89844, MedGen C0796089, MONDO:0009760, OMIM 257320.

Submission:

Labcorp Genetics (formerly Invitae), Labcorp
Classification: Uncertain significance for Familial temporal lobe epilepsy 7; Norman-Roberts syndrome. Last evaluated: 2023-05-18. Review status: criteria provided, single submitter. Criteria: Invitae Variant Classification Sherloc (09022015). Collection method: clinical testing. Allele origin: germline.
Comment: In summary, the available evidence is currently insufficient to determine the role of this variant in disease. Therefore, it has been classified as a Variant of Uncertain Significance. Advanced modeling of protein sequence and biophysical properties (such as structural, functional, and spatial information, amino acid conservation, physicochemical variation, residue mobility, and thermodynamic stability) performed at Invitae indicates that this missense variant is not expected to disrupt RELN protein function. This variant has not been reported in the literature in individuals affected with RELN-related conditions. This variant is not present in population databases (gnomAD no frequency). This sequence change replaces serine, which is neutral and polar, with asparagine, which is neutral and polar, at codon 199 of the RELN protein (p.Ser199Asn).

NM_005045.4(RELN):c.596G>A (p.Ser199Asn)

Gene: RELN (reelin; minus strand). Cytogenetic location: 7q22.1.
Variant type: single nucleotide variant.
Coding change: c.596G>A on transcript NM_005045.4 (MANE Select); coding-DNA position 596, G replaced by A.
Protein change: p.Ser199Asn; replaces serine 199 with asparagine.
Molecular consequence: missense variant.
Genome position (GRCh38, 1-based): chr7:103,749,486, C>T on the plus strand (G>A on the coding strand, the complement: RELN is on the minus strand). VCF-style: chr7-103749486-C-T. GRCh37 (hg19) VCF-style: chr7-103389933-C-T.
Other names: c.596G>A, p.Ser199Asn (NM_173054.3); short protein forms S199N.
Identifiers: ClinVar variation 2934411 (VCV002934411.3), dbSNP rs2485056102, ClinGen allele CA368930333.